The following is an entry in ClinVar:

NM_007074.4(CORO1A):c.787G>A (p.Glu263Lys)

Gene: CORO1A (coronin 1A; plus strand). Cytogenetic location: 16p11.2.
Variant type: single nucleotide variant.
Coding change: c.787G>A on transcript NM_007074.4 (MANE Select); coding-DNA position 787, G replaced by A.
Protein change: p.Glu263Lys; replaces glutamic acid 263 with lysine.
Molecular consequence: missense variant.
Genome position (GRCh38, 1-based): chr16:30,187,755, G>A. VCF-style: chr16-30187755-G-A. GRCh37 (hg19) VCF-style: chr16-30199076-G-A.
Other names: c.787G>A, p.Glu263Lys (NM_001193333.3); short protein forms E263K.
Identifiers: ClinVar variation 3336197 (VCV003336197.1).

ClinVar aggregate classification (germline): Uncertain significance (1 of 4 stars; one submission).

Submission:

Women's Health and Genetics/Laboratory Corporation of America, LabCorp
Classification: Uncertain significance. Last evaluated: 2024-05-03. Review status: criteria provided, single submitter. Criteria: LabCorp Variant Classification Summary - May 2015. Collection method: clinical testing. Allele origin: germline.
Comment: Variant summary: CORO1A c.787G>A (p.Glu263Lys) results in a conservative amino acid change in the encoded protein sequence. Four of five in-silico tools predict a benign effect of the variant on protein function. The variant was absent in 250472 control chromosomes. The available data on variant occurrences in the general population are insufficient to allow any conclusion about variant significance. To our knowledge, no occurrence of c.787G>A in individuals affected with Severe Combined Immunodeficiency and no experimental evidence demonstrating its impact on protein function have been reported. No submitters have cited clinical-significance assessments for this variant to ClinVar. Based on the evidence outlined above, the variant was classified as uncertain significance.